The following is an entry in ClinVar:

NM_000722.4(CACNA2D1):c.2309-1G>T

Gene: CACNA2D1 (calcium voltage-gated channel auxiliary subunit alpha2delta 1; minus strand). Cytogenetic location: 7q21.11.
Variant type: single nucleotide variant.
Coding change: c.2309-1G>T on transcript NM_000722.4 (MANE Select); the canonical splice acceptor site of the intron before coding-DNA position 2309, G replaced by T.
Molecular consequence: splice acceptor variant.
Genome position (GRCh38, 1-based): chr7:81,968,974, C>A on the plus strand (G>T on the coding strand, the complement: CACNA2D1 is on the minus strand). VCF-style: chr7-81968974-C-A. GRCh37 (hg19) VCF-style: chr7-81598290-C-A.
Other names: c.2345-1G>T (NM_001366867.1).
Identifiers: ClinVar variation 3484076 (VCV003484076.1).

ClinVar aggregate classification (germline): Uncertain significance (1 of 4 stars; one submission).

Conditions:
Cardiovascular phenotype. Identifiers: MedGen CN230736.

Submission:

Ambry Genetics
Classification: Uncertain significance for Cardiovascular phenotype. Last evaluated: 2024-07-01. Review status: criteria provided, single submitter. Criteria: Ambry Variant Classification Scheme 2023. Collection method: clinical testing. Allele origin: germline.
Comment: The c.2309-1G>T intronic variant results from a G to T substitution one nucleotide before coding exon 29 of the CACNA2D1 gene. This nucleotide position is well conserved in available vertebrate species. In silico splice site analysis predicts that this alteration will weaken the native splice acceptor site and will result in the creation or strengthening of a novel splice acceptor site. Alterations that disrupt the canonical splice site are expected to cause aberrant splicing, resulting in an abnormal protein or a transcript that is subject to nonsense-mediated mRNA decay. However, loss of function of CACNA2D1 has not been established as a mechanism of disease. The evidence for this gene-disease relationship is limited; therefore, the clinical significance of this alteration is unclear.